The following is an entry in ClinVar:

ClinVar aggregate classification (germline): Likely benign (0 of 4 stars; one submission).

Conditions:
FZD2-related disorder. Also called: FZD2-related condition.

Allele frequency attached by ClinVar (database versions not stated): gnomAD exomes below 0.00001.
gnomAD v4.1: 6 of 1,430,210 alleles (0.00042%); highest among the groups gnomAD compares: Non-Finnish European, 0.00055%; no homozygotes.

Submission:

PreventionGenetics, part of Exact Sciences
Classification: Likely benign for FZD2-related condition. Last evaluated: 2019-02-26. Review status: no assertion criteria provided. Collection method: clinical testing. Allele origin: germline.
Comment: This variant is classified as likely benign based on ACMG/AMP sequence variant interpretation guidelines (Richards et al. 2015 PMID: 25741868, with internal and published modifications).

NM_001466.4(FZD2):c.513A>G (p.Gly171=)

Gene: FZD2 (frizzled class receptor 2; plus strand). Cytogenetic location: 17q21.31.
Variant type: single nucleotide variant.
Coding change: c.513A>G on transcript NM_001466.4 (MANE Select); coding-DNA position 513, A replaced by G.
Protein change: p.Gly171=; no amino-acid change (glycine 171 retained).
Molecular consequence: synonymous variant.
Genome position (GRCh38, 1-based): chr17:44,558,201, A>G. VCF-style: chr17-44558201-A-G. GRCh37 (hg19) VCF-style: chr17-42635569-A-G.
Identifiers: ClinVar variation 3055837 (VCV003055837.2), dbSNP rs1970849186, ClinGen allele CA500627046.
Genomic context (GRCh38, chr17:44,558,201, plus strand): 5'-CGGCCAGAACCACTCCGAGGACGGAGCTCCCGCGCTACTCACCACCGCGCCGCCGCCGGG[A>G]CTGCAGCCGGGTGCCGGGGGCACCCCGGGTGGCCCGGGCGGCGGCGGCGCTCCCCCGCGC-3'
Protein context (NP_001457.1, residues 161-181): PALLTTAPPP[Gly171=]LQPGAGGTPG